The following is an entry in ClinVar:

ClinVar aggregate classification (germline): Pathogenic (1 of 4 stars; one submission).

Conditions:
Glaucoma 1, open angle, E. Identifiers: MedGen C1842026, MONDO:0007665.
Amyotrophic lateral sclerosis type 12 (ALS12). Also called: AMYOTROPHIC LATERAL SCLEROSIS 12 WITH OR WITHOUT FRONTOTEMPORAL DEMENTIA. Identifiers: Orphanet 803, MedGen C3150692, MONDO:0013264, OMIM 613435.
Primary open angle glaucoma (POAG). Also called: OPTN-related open angle glaucoma. Identifiers: MedGen C0339573, MONDO:0100553, OMIM 137760.

Submission:

Labcorp Genetics (formerly Invitae), Labcorp
Classification: Pathogenic for Primary open angle glaucoma; Glaucoma 1, open angle, e; Amyotrophic lateral sclerosis type 12. Last evaluated: 2019-05-29. Review status: criteria provided, single submitter. Criteria: Invitae Variant Classification Sherloc (09022015). Collection method: clinical testing. Allele origin: germline.
Comment: This variant is an out-of-frame deletion of the genomic region encompassing exon 5 of the OPTN gene. This is expected to create a premature translational stop signal and result in an absent or disrupted protein product. This variant has been observed to segregate with amyotrophic lateral sclerosis in a family (PMID: 20428114). Loss-of-function variants in OPTN are known to be pathogenic (PMID: 20428114). For these reasons, this variant has been classified as Pathogenic.

Literature cited by the submitters: PubMed 20428114.

NC_000010.11:g.(?_13116257)_(13116350_?)del

Gene: OPTN (optineurin; plus strand). Cytogenetic location: 10p13.
Variant type: Deletion.
Identifiers: ClinVar variation 831344 (VCV000831344.1).